The following is an entry in ClinVar:

NM_000268.4(NF2):c.273A>G (p.Pro91=)

Gene: NF2 (NF2, moesin-ezrin-radixin like (MERLIN) tumor suppressor; plus strand). Cytogenetic location: 22q12.2.
Variant type: single nucleotide variant.
Coding change: c.273A>G on transcript NM_000268.4 (MANE Select); coding-DNA position 273, A replaced by G.
Protein change: p.Pro91=; no amino-acid change (proline 91 retained).
Molecular consequence: synonymous variant. On other transcripts: 5 prime UTR variant (1), intron variant (8).
Genome position (GRCh38, 1-based): chr22:29,639,122, A>G. VCF-style: chr22-29639122-A-G. GRCh37 (hg19) VCF-style: chr22-30035111-A-G.
Other names: c.159A>G, p.Pro53= (NM_001407053.1, NM_001407056.1); c.147A>G, p.Pro49= (NM_001407055.1, NM_181828.3); c.273A>G, p.Pro91= (NM_001407057.1, NM_001407059.1, NM_001407060.1 and 5 more transcripts); c.-368A>G (NM_001407065.1); c.42A>G, p.Pro14= (NM_001407067.1); c.240+2246A>G (NM_001407058.1, NM_181829.3, NM_001407054.1 and 1 more transcripts); c.115-3080A>G (NM_001407063.1, NM_181830.3, NM_001407064.1 and 1 more transcripts).
Identifiers: ClinVar variation 4825431 (VCV004825431.3).

ClinVar aggregate classification (germline): Likely benign. Review status: criteria provided, multiple submitters, no conflicts (2 of 4 stars). 2 submissions from 2 submitters: Likely benign (2). Last evaluated 2026-08-01.

Conditions:
Hereditary cancer-predisposing syndrome. Also called: Neoplastic Syndromes, Hereditary; Hereditary neoplastic syndrome; Tumor predisposition; Hereditary Cancer Syndrome. Identifiers: Orphanet 140162, MedGen C0027672, MeSH D009386, MONDO:0015356.

Submissions (2):

CeGaT Center for Human Genetics Tuebingen
Classification: Likely benign. Last evaluated: 2026-08-01. Review status: criteria provided, single submitter. Criteria: CeGaT Center For Human Genetics Tuebingen Variant Classification Criteria Version 2. Collection method: clinical testing. Allele origin: germline. Affected: yes. Observed: 4 variant alleles.
Comment: NF2: PM2:Supporting, BP4, BP7

Ambry Genetics
Classification: Likely benign for Hereditary cancer-predisposing syndrome. Last evaluated: 2026-01-26. Review status: criteria provided, single submitter. Criteria: Ambry Variant Classification Scheme 2023. Collection method: clinical testing. Allele origin: germline.